The following is an entry in ClinVar:

ClinVar aggregate classification (germline): Uncertain significance (1 of 4 stars; one submission).

Conditions:
Dilated cardiomyopathy 1CC (CMD1CC). Identifiers: Orphanet 154, MedGen C2751084, MONDO:0013147, OMIM 613122.
Hypertrophic cardiomyopathy 20. Identifiers: MedGen C3151267, MONDO:0013477, OMIM 613876.

Allele frequency attached by ClinVar (database versions not stated): gnomAD exomes below 0.00001.

Submission:

Labcorp Genetics (formerly Invitae), Labcorp
Classification: Uncertain significance for Dilated cardiomyopathy 1CC; Hypertrophic cardiomyopathy 20. Last evaluated: 2021-05-19. Review status: criteria provided, single submitter. Criteria: Invitae Variant Classification Sherloc (09022015). Collection method: clinical testing. Allele origin: germline.
Comment: In summary, the available evidence is currently insufficient to determine the role of this variant in disease. Therefore, it has been classified as a Variant of Uncertain Significance. Algorithms developed to predict the effect of missense changes on protein structure and function are either unavailable or do not agree on the potential impact of this missense change (SIFT: "Deleterious"; PolyPhen-2: "Benign"; Align-GVGD: "Class C0"). This variant has not been reported in the literature in individuals with NEXN-related conditions. This variant is not present in population databases (ExAC no frequency). This sequence change replaces glutamic acid with glycine at codon 612 of the NEXN protein (p.Glu612Gly). The glutamic acid residue is moderately conserved and there is a moderate physicochemical difference between glutamic acid and glycine.

NM_144573.4(NEXN):c.1835A>G (p.Glu612Gly)

Gene: NEXN (nexilin F-actin binding protein; plus strand). Cytogenetic location: 1p31.1.
Variant type: single nucleotide variant.
Coding change: c.1835A>G on transcript NM_144573.4 (MANE Select); coding-DNA position 1835, A replaced by G.
Protein change: p.Glu612Gly; replaces glutamic acid 612 with glycine.
Molecular consequence: missense variant.
Genome position (GRCh38, 1-based): chr1:77,942,636, A>G. VCF-style: chr1-77942636-A-G. GRCh37 (hg19) VCF-style: chr1-78408321-A-G.
Other names: c.1643A>G, p.Glu548Gly (NM_001172309.2); short protein forms E548G, E612G.
Identifiers: ClinVar variation 1345639 (VCV001345639.8), dbSNP rs2102181361, ClinGen allele CA340882906.